The following is an entry in ClinVar:

ClinVar aggregate classification (germline): Likely benign (1 of 4 stars; one submission).

Submission:

CeGaT Center for Human Genetics Tuebingen
Classification: Likely benign. Last evaluated: 2025-01-01. Review status: criteria provided, single submitter. Criteria: CeGaT Center For Human Genetics Tuebingen Variant Classification Criteria Version 2. Collection method: clinical testing. Allele origin: germline. Affected: yes. Observed: 1 variant allele.
Comment: TPX2: PM2:Supporting, BP4, BP7

NM_012112.5(TPX2):c.786C>T (p.Phe262=)

Gene: TPX2 (TPX2 microtubule nucleation factor; plus strand). Cytogenetic location: 20q11.21.
Variant type: single nucleotide variant.
Coding change: c.786C>T on transcript NM_012112.5 (MANE Select); coding-DNA position 786, C replaced by T.
Protein change: p.Phe262=; no amino-acid change (phenylalanine 262 retained).
Molecular consequence: synonymous variant.
Genome position (GRCh38, 1-based): chr20:31,777,542, C>T. VCF-style: chr20-31777542-C-T. GRCh37 (hg19) VCF-style: chr20-30365345-C-T.
Identifiers: ClinVar variation 3389895 (VCV003389895.14).